The following is an entry in ClinVar:

NM_031433.4(MFRP):c.47del (p.Glu15_Ser16insTer)

Genes: C1QTNF5 (C1q and TNF related 5; minus strand), MFRP (membrane frizzled-related protein; minus strand). Cytogenetic location: 11q23.3.
Variant type: Deletion.
Coding change: c.47del on transcript NM_031433.4 (MANE Select); coding-DNA position 47, one base deleted (C; older notation c.47delC).
Protein change: p.Glu15_Ser16insTer.
Molecular consequence: nonsense. On other transcripts: 5 prime UTR variant (1).
Genome position (GRCh38, 1-based): chr11:119,346,467, G deleted on the plus strand (C on the coding strand, the reverse complement: MFRP is on the minus strand). VCF-style (leftmost placement, unchanged base first): chr11-119346466-CG-C. GRCh37 (hg19) VCF-style: chr11-119217176-CG-C.
Other names: c.47delC (NM_031433.4); c.-2590del (NM_015645.5).
Identifiers: ClinVar variation 4849410 (VCV004849410.1).
Genomic context (GRCh38, chr11:119,346,466, plus strand): 5'-CAGCAGTGACCACTGGTGCTGGGTCTTAGGAGCACGATTCTATGTGGTCCTTACCTTGCT[CG>C]ATTCTGTTGCCTCCATGCAGAGGATGACATCTGAGAAGTCCTTCATGGCACAAGGCTCTG-3'

ClinVar aggregate classification (germline): Likely pathogenic (1 of 4 stars; one submission).

Conditions:
Isolated microphthalmia 5. Also called: Posterior Microphthalmia with Retinitis Pigmentosa, Foveoschisis, and Optic Disc Drusen. Identifiers: Orphanet 251279, MedGen C1970236, MONDO:0012605, OMIM 611040.
Nanophthalmos 2 (NNO2). Also called: NANOPHTHALMIA 2; NANOPHTHALMOS, AUTOSOMAL RECESSIVE. Identifiers: Orphanet 35612, MedGen C1836006, MONDO:0012299, OMIM 609549.

Submission:

First Genomix Gene Laboratory, Genetic Diagnostics Department
Classification: Likely pathogenic for Isolated microphthalmia 5; Nanophthalmos 2. Last evaluated: 2025-05-29. Review status: criteria provided, single submitter. Criteria: ACMG Guidelines, 2015. Collection method: clinical testing. Allele origin: germline. Inheritance: Autosomal recessive inheritance. Affected: no. Observed: 1 variant allele.